The following is an entry in ClinVar:

NM_000719.7(CACNA1C):c.2957T>C (p.Ile986Thr)

Gene: CACNA1C (calcium voltage-gated channel subunit alpha1 C; plus strand). Cytogenetic location: 12p13.33.
Variant type: single nucleotide variant.
Coding change: c.2957T>C on transcript NM_000719.7 (MANE Select); coding-DNA position 2957, T replaced by C.
Protein change: p.Ile986Thr; replaces isoleucine 986 with threonine.
Molecular consequence: missense variant.
Genome position (GRCh38, 1-based): chr12:2,601,957, T>C. VCF-style: chr12-2601957-T-C. GRCh37 (hg19) VCF-style: chr12-2711123-T-C.
Other names: c.3017T>C, p.Ile1006Thr (NM_001129827.2, NM_001129832.2, NM_199460.4); c.2957T>C, p.Ile986Thr (NM_001129829.2, NM_001129830.3, NM_001129831.2 and 15 more transcripts); c.2948T>C, p.Ile983Thr (NM_001129844.2); short protein forms I1006T, I983T, I986T.
Identifiers: ClinVar variation 4887913 (VCV004887913.1).
Genomic context (GRCh38, chr12:2,601,957, plus strand): 5'-GGAACTACTTCAACATCCTGGACCTGCTGGTGGTCAGCGTGTCCCTCATCTCCTTTGGCA[T>C]CCAGTGAGTGGGAGCCCCTCAGCCCACGATGGGCCATGCAGCTAGCAAGGGGTGCCAGAG-3'
Protein context (NP_000710.5, residues 976-996): VVSVSLISFG[Ile986Thr]QSSAINVVKI

ClinVar aggregate classification (germline): Uncertain significance (1 of 4 stars; one submission).

Submission:

GeneDx
Classification: Uncertain significance. Last evaluated: 2026-01-29. Review status: criteria provided, single submitter. Criteria: GeneDx Variant Classification Process June 2021. Collection method: clinical testing. Allele origin: germline.
Comment: Not observed at significant frequency in large population cohorts (gnomAD); In silico analysis supports that this missense variant has a deleterious effect on protein structure/function; Has not been previously published as pathogenic or benign to our knowledge